The following is an entry in ClinVar:

ClinVar aggregate classification (germline): Uncertain significance (1 of 4 stars; one submission).

Conditions:
Primary ciliary dyskinesia. Also called: Ciliary dyskinesia. Identifiers: Orphanet 244, MedGen C0008780, MONDO:0016575, HP:0012265.

Allele frequency attached by ClinVar (database versions not stated): gnomAD exomes below 0.00001.
gnomAD v4.1: 4 of 1,613,692 alleles (0.00025%); highest among the groups gnomAD compares: South Asian, 0.0011%; no homozygotes.

Submission:

Labcorp Genetics (formerly Invitae), Labcorp
Classification: Uncertain significance for Primary ciliary dyskinesia. Last evaluated: 2022-05-04. Review status: criteria provided, single submitter. Criteria: Invitae Variant Classification Sherloc (09022015). Collection method: clinical testing. Allele origin: germline.
Comment: Algorithms developed to predict the effect of missense changes on protein structure and function are either unavailable or do not agree on the potential impact of this missense change (SIFT: "Deleterious"; PolyPhen-2: "Not Available"; Align-GVGD: "Class C0"). In summary, the available evidence is currently insufficient to determine the role of this variant in disease. Therefore, it has been classified as a Variant of Uncertain Significance. This variant has not been reported in the literature in individuals affected with DNAH8-related conditions. This sequence change replaces leucine, which is neutral and non-polar, with phenylalanine, which is neutral and non-polar, at codon 1206 of the DNAH8 protein (p.Leu1206Phe). This variant is not present in population databases (gnomAD no frequency).

NM_001206927.2(DNAH8):c.3616C>T (p.Leu1206Phe)

Gene: DNAH8 (dynein axonemal heavy chain 8; plus strand). Cytogenetic location: 6p21.2.
Variant type: single nucleotide variant.
Coding change: c.3616C>T on transcript NM_001206927.2 (MANE Select); coding-DNA position 3616, C replaced by T.
Protein change: p.Leu1206Phe; replaces leucine 1206 with phenylalanine.
Molecular consequence: missense variant.
Genome position (GRCh38, 1-based): chr6:38,822,930, C>T. VCF-style: chr6-38822930-C-T. GRCh37 (hg19) VCF-style: chr6-38790706-C-T.
Other names: c.2965C>T, p.Leu989Phe (NM_001371.4); short protein forms L1206F, L989F.
Identifiers: ClinVar variation 2133702 (VCV002133702.4), dbSNP rs2532635949, ClinGen allele CA363992163.
Genomic context (GRCh38, chr6:38,822,930, plus strand): 5'-CTGAAGAATTTTTACCCGGGGGTAGCGGAGCACAAGGATATTTCTAAGTTGGTCCTGCTC[C>T]TTTCTTCCTCTGTAAATTCCCTAAGAAAGGCAGCTCATGAGGCCCTGCAGGACTTTCAGA-3'
Protein context (NP_001193856.1, residues 1196-1216): HKDISKLVLL[Leu1206Phe]SSSVNSLRKA